The following is an entry in ClinVar:

ClinVar aggregate classification (germline): Uncertain significance. Review status: criteria provided, multiple submitters, no conflicts (2 of 4 stars). 2 submissions from 2 submitters: Uncertain significance (2). Last evaluated 2025-10-22.

Conditions:
Arrhythmogenic right ventricular dysplasia 13. Also called: ARRHYTHMOGENIC RIGHT VENTRICULAR CARDIOMYOPATHY 13; Arrhythmogenic right ventricular dysplasia, familial, 13. Identifiers: MedGen C3810138, MONDO:0000908, OMIM 615616.

gnomAD v4.1: 49 of 1,613,924 alleles (0.003%); highest among the groups gnomAD compares: Middle Eastern, 0.049%; no homozygotes.

Submissions (2):

Labcorp Genetics (formerly Invitae), Labcorp
Classification: Uncertain significance for Arrhythmogenic right ventricular dysplasia 13. Last evaluated: 2025-10-22. Review status: criteria provided, single submitter. Criteria: Invitae Variant Classification Sherloc (09022015). Collection method: clinical testing. Allele origin: germline.
Comment: This sequence change replaces threonine, which is neutral and polar, with arginine, which is basic and polar, at codon 552 of the CTNNA3 protein (p.Thr552Arg). This variant is present in population databases (no rsID available, gnomAD 0.002%). This variant has not been reported in the literature in individuals affected with CTNNA3-related conditions. ClinVar contains an entry for this variant (Variation ID: 2352053). Invitae Evidence Modeling of protein sequence and biophysical properties (such as structural, functional, and spatial information, amino acid conservation, physicochemical variation, residue mobility, and thermodynamic stability) indicates that this missense variant is not expected to disrupt CTNNA3 protein function with a negative predictive value of 80%. In summary, the available evidence is currently insufficient to determine the role of this variant in disease. Therefore, it has been classified as a Variant of Uncertain Significance.

Ambry Genetics
Classification: Uncertain significance. Last evaluated: 2024-07-24. Review status: criteria provided, single submitter. Criteria: Ambry Variant Classification Scheme 2023. Collection method: clinical testing. Allele origin: germline.
Comment: The p.T552R variant (also known as c.1655C>G), located in coding exon 11 of the CTNNA3 gene, results from a C to G substitution at nucleotide position 1655. The threonine at codon 552 is replaced by arginine, an amino acid with similar properties. This amino acid position is conserved. In addition, this alteration is predicted to be tolerated by in silico analysis. Based on the available evidence, the clinical significance of this variant remains unclear.

NM_013266.4(CTNNA3):c.1655C>G (p.Thr552Arg)

Gene: CTNNA3 (catenin alpha 3; minus strand). Cytogenetic location: 10q21.3.
Variant type: single nucleotide variant.
Coding change: c.1655C>G on transcript NM_013266.4 (MANE Select); coding-DNA position 1655, C replaced by G.
Protein change: p.Thr552Arg; replaces threonine 552 with arginine.
Molecular consequence: missense variant.
Genome position (GRCh38, 1-based): chr10:66,379,229, G>C on the plus strand (C>G on the coding strand, the complement: CTNNA3 is on the minus strand). VCF-style: chr10-66379229-G-C. GRCh37 (hg19) VCF-style: chr10-68138987-G-C.
Other names: c.1655C>G, p.Thr552Arg (NM_001127384.3); short protein forms T552R.
Identifiers: ClinVar variation 2352053 (VCV002352053.4), dbSNP rs61737718, ClinGen allele CA377090355.